The following is an entry in ClinVar:

ClinVar aggregate classification (germline): Conflicting classifications of pathogenicity. Review status: criteria provided, conflicting classifications (1 of 4 stars). 4 submissions from 4 submitters: Uncertain significance (1); Likely benign (3). Last evaluated 2025-03-04.

Conditions:
Colorectal cancer, hereditary nonpolyposis, type 7. Identifiers: Orphanet 144, MedGen C1858380, MONDO:0013725, OMIM 614385.

Allele frequency attached by ClinVar (database versions not stated): gnomAD 0.00168 and 0.00152; gnomAD exomes 0.00037 and 0.00014; 1000 Genomes Project 0.00160; 1000 Genomes Project 30x 0.00141; ESP Exome Variant Server 0.00154; TOPMed 0.00166; ExAC 0.00054.
gnomAD v4.1: 445 of 1,613,342 alleles (0.028%); highest among the groups gnomAD compares: African/African-American, 0.52%; 1 homozygote.

Submissions (4):

Center for Genomic Medicine, Rigshospitalet, Copenhagen University Hospital
Classification: Likely benign. Last evaluated: 2025-03-04. Review status: criteria provided, single submitter. Criteria: ACMG Guidelines, 2015. Collection method: clinical testing. Allele origin: germline.

Department of Pathology and Laboratory Medicine, Sinai Health System
Classification: Uncertain significance for colorectal cancer, hereditary nonpolyposis, type 7. Last evaluated: 2024-11-25. Review status: criteria provided, single submitter. Criteria: ACMG Guidelines, 2015. Collection method: clinical testing. Allele origin: germline.

Ambry Genetics
Classification: Likely benign. Last evaluated: 2020-06-30. Review status: criteria provided, single submitter. Criteria: Ambry Variant Classification Scheme 2023. Collection method: clinical testing. Allele origin: germline.

Illumina Laboratory Services, Illumina
Classification: Likely benign for Colorectal cancer, hereditary nonpolyposis, type 7. Last evaluated: 2018-01-12. Review status: criteria provided, single submitter. Criteria: ICSL Variant Classification Criteria 13 December 2019. Collection method: clinical testing. Allele origin: germline.
Comment: This variant was observed in the ICSL laboratory as part of a predisposition screen in an ostensibly healthy population. It had not been previously curated by ICSL or reported in the Human Gene Mutation Database (HGMD: prior to June 1st, 2018), and was therefore a candidate for classification through an automated scoring system. Utilizing variant allele frequency, disease prevalence and penetrance estimates, and inheritance mode, an automated score was calculated to assess if this variant is too frequent to cause the disease. Based on the score and internal cut-off values, a variant classified as likely benign is not then subjected to further curation. The score for this variant resulted in a classification of likely benign for this disease.

NM_001040108.2(MLH3):c.-4T>G

Gene: MLH3 (mutL homolog 3; minus strand). Cytogenetic location: 14q24.3.
Variant type: single nucleotide variant.
Coding change: c.-4T>G on transcript NM_001040108.2 (MANE Select); 4 bases upstream of the start codon, T replaced by G.
Molecular consequence: 5 prime UTR variant.
Genome position (GRCh38, 1-based): chr14:75,049,659, A>C on the plus strand (T>G on the coding strand, the complement: MLH3 is on the minus strand). VCF-style: chr14-75049659-A-C. GRCh37 (hg19) VCF-style: chr14-75516362-A-C.
Other names: c.-4T>G (NM_014381.3).
Identifiers: ClinVar variation 314394 (VCV000314394.15), dbSNP rs28756977, ClinGen allele CA7276104.